The following is an entry in ClinVar:

NM_198053.3(CD247):c.45G>C (p.Gln15His)

Gene: CD247 (CD247 molecule; minus strand). Cytogenetic location: 1q24.2.
Variant type: single nucleotide variant.
Coding change: c.45G>C on transcript NM_198053.3 (MANE Select); coding-DNA position 45, G replaced by C.
Protein change: p.Gln15His; replaces glutamine 15 with histidine.
Molecular consequence: missense variant.
Genome position (GRCh38, 1-based): chr1:167,518,421, C>G on the plus strand (G>C on the coding strand, the complement: CD247 is on the minus strand). VCF-style: chr1-167518421-C-G. GRCh37 (hg19) VCF-style: chr1-167487658-C-G.
Other names: c.45G>C, p.Gln15His (NM_000734.4, NM_001378515.1, NM_001378516.1); short protein forms Q15H.
Identifiers: ClinVar variation 1964649 (VCV001964649.5), dbSNP rs1655711076, ClinGen allele CA343479756.
Genomic context (GRCh38, chr1:167,518,421, plus strand): 5'-CACAAAGAGTTTCTAGAAGTTCCCTGCCGTCGACACGTCGGCCCTACCTGTAATCGGCAA[C>G]TGTGCCTGCAGGATGGCCGCGGTGAAAAGCGCCTTCCACTTCATCTTGTCCTTTCCCTCA-3'
Protein context (NP_932170.1, residues 5-25): ALFTAAILQA[Gln15His]LPITEAQSFG

ClinVar aggregate classification (germline): Uncertain significance (1 of 4 stars; one submission).

Conditions:
Immunodeficiency 25. Also called: Immunodeficiency due to defect in cd3-zeta, somatic. Identifiers: MedGen C1857798, MONDO:0012426, OMIM 610163.

Submission:

Labcorp Genetics (formerly Invitae), Labcorp
Classification: Uncertain significance for Immunodeficiency 25. Last evaluated: 2022-07-15. Review status: criteria provided, single submitter. Criteria: Invitae Variant Classification Sherloc (09022015). Collection method: clinical testing. Allele origin: germline.
Comment: This variant is not present in population databases (gnomAD no frequency). In summary, the available evidence is currently insufficient to determine the role of this variant in disease. Therefore, it has been classified as a Variant of Uncertain Significance. Algorithms developed to predict the effect of missense changes on protein structure and function output the following: SIFT: "Tolerated"; PolyPhen-2: "Benign"; Align-GVGD: "Class C0". The histidine amino acid residue is found in multiple mammalian species, which suggests that this missense change does not adversely affect protein function. This variant has not been reported in the literature in individuals affected with CD247-related conditions. This sequence change replaces glutamine, which is neutral and polar, with histidine, which is basic and polar, at codon 15 of the CD247 protein (p.Gln15His).